The following is an entry in ClinVar:

ClinVar aggregate classification (germline): Uncertain significance (1 of 4 stars; one submission).

Allele frequency attached by ClinVar (database versions not stated): ExAC 0.00006; ESP Exome Variant Server 0.00008; TOPMed 0.00011.
gnomAD v4.1: 249 of 1,613,896 alleles (0.015%); highest among the groups gnomAD compares: Non-Finnish European, 0.021%; no homozygotes.

Submission:

Labcorp Genetics (formerly Invitae), Labcorp
Classification: Uncertain significance. Last evaluated: 2022-07-12. Review status: criteria provided, single submitter. Criteria: Invitae Variant Classification Sherloc (09022015). Collection method: clinical testing. Allele origin: germline.
Comment: This sequence change replaces histidine, which is basic and polar, with aspartic acid, which is acidic and polar, at codon 229 of the VPS11 protein (p.His229Asp). This variant is present in population databases (rs375148472, gnomAD 0.02%). This variant has not been reported in the literature in individuals affected with VPS11-related conditions. ClinVar contains an entry for this variant (Variation ID: 1418989). In summary, the available evidence is currently insufficient to determine the role of this variant in disease. Therefore, it has been classified as a Variant of Uncertain Significance.

NM_021729.6(VPS11):c.685C>G (p.His229Asp)

Gene: VPS11 (VPS11 core subunit of CORVET and HOPS complexes; plus strand). Cytogenetic location: 11q23.3.
Variant type: single nucleotide variant.
Coding change: c.685C>G on transcript NM_021729.6 (MANE Select); coding-DNA position 685, C replaced by G.
Protein change: p.His229Asp; replaces histidine 229 with aspartic acid.
Molecular consequence: missense variant. On other transcripts: non-coding transcript variant (5).
Genome position (GRCh38, 1-based): chr11:119,071,644, C>G. VCF-style: chr11-119071644-C-G. GRCh37 (hg19) VCF-style: chr11-118942354-C-G.
Other names: c.655C>G, p.His219Asp (NM_001290185.2); c.697C>G, p.His233Asp (NM_001378218.1); c.685C>G, p.His229Asp (NM_001378219.1, NM_001378220.1); c.667C>G, p.His223Asp (NM_001378221.1); short protein forms H229D, H233D, H219D, H223D.
Identifiers: ClinVar variation 1418989 (VCV001418989.5), dbSNP rs375148472, ClinGen allele CA6313255.